The following is an entry in ClinVar:

ClinVar aggregate classification (germline): Pathogenic (1 of 4 stars; one submission).

Conditions:
Autosomal recessive nonsyndromic hearing loss 9. Also called: NEUROSENSORY NONSYNDROMIC RECESSIVE DEAFNESS 9; OTOF-Related Hearing Loss; Deafness, autosomal recessive 9; AUDITORY NEUROPATHY, AUTOSOMAL RECESSIVE, 1, TEMPERATURE-SENSITIVE. Identifiers: Orphanet 90636, MedGen C1832828, MONDO:0010986, OMIM 601071.

Submission:

Institute of Rare Diseases, West China Hospital, Sichuan University
Classification: Pathogenic for Autosomal recessive nonsyndromic hearing loss 9. Last evaluated: 2025-01-09. Review status: criteria provided, single submitter. Criteria: ClinGen HL ACMG Specifications v1. Collection method: research. Allele origin: germline. Affected: yes.
Comment: PVS1;PM3;PM2_Supporting

NM_194248.3(OTOF):c.2972_2975del (p.Asn991fs)

Gene: OTOF (otoferlin; minus strand). Cytogenetic location: 2p23.3.
Variant type: Microsatellite.
Coding change: c.2972_2975del on transcript NM_194248.3 (MANE Select); coding-DNA positions 2972 to 2975, 4 bases deleted (ATCA; older notation c.2972_2975delATCA).
Protein change: p.Asn991fs; shifts the reading frame from asparagine 991.
Molecular consequence: frameshift variant.
Genome position (GRCh38, 1-based): chr2:26,475,930-26,475,933, TGAT deleted on the plus strand (ATCA on the coding strand, the reverse complement: OTOF is on the minus strand); deleting any 4 consecutive bases within chr2:26,475,930-26,475,937 gives the same sequence; the c. name uses the placement nearest the transcript's 3' end. VCF-style (leftmost placement, unchanged base first): chr2-26475929-CTGAT-C. GRCh37 (hg19) VCF-style: chr2-26698797-CTGAT-C.
Other names: c.2972_2975del, p.Asn991fs (NM_001287489.2); c.731_734del, p.Asn244fs (NM_004802.4, NM_194323.3); c.902_905del, p.Asn301fs (NM_194322.3); short protein forms N244fs, N301fs, N991fs.
Identifiers: ClinVar variation 3601535 (VCV003601535.1).